The following is an entry in ClinVar:

ClinVar aggregate classification (germline): Uncertain significance (1 of 4 stars; one submission).

Allele frequency attached by ClinVar (database versions not stated): gnomAD exomes 0.00001; TOPMed 0.00001.
gnomAD v4.1: 6 of 1,612,082 alleles (0.00037%); highest among the groups gnomAD compares: Admixed American, 0.01%; no homozygotes.

Submission:

Labcorp Genetics (formerly Invitae), Labcorp
Classification: Uncertain significance. Last evaluated: 2024-01-04. Review status: criteria provided, single submitter. Criteria: Invitae Variant Classification Sherloc (09022015). Collection method: clinical testing. Allele origin: germline.
Comment: This sequence change replaces lysine, which is basic and polar, with arginine, which is basic and polar, at codon 369 of the TRAP1 protein (p.Lys369Arg). This variant is present in population databases (rs199811358, gnomAD 0.009%). This variant has not been reported in the literature in individuals affected with TRAP1-related conditions. Advanced modeling of protein sequence and biophysical properties (such as structural, functional, and spatial information, amino acid conservation, physicochemical variation, residue mobility, and thermodynamic stability) performed at Invitae indicates that this missense variant is not expected to disrupt TRAP1 protein function with a negative predictive value of 80%. In summary, the available evidence is currently insufficient to determine the role of this variant in disease. Therefore, it has been classified as a Variant of Uncertain Significance.

NM_016292.3(TRAP1):c.1106A>G (p.Lys369Arg)

Gene: TRAP1 (TNF receptor associated protein 1; minus strand). Cytogenetic location: 16p13.3.
Variant type: single nucleotide variant.
Coding change: c.1106A>G on transcript NM_016292.3 (MANE Select); coding-DNA position 1106, A replaced by G.
Protein change: p.Lys369Arg; replaces lysine 369 with arginine.
Molecular consequence: missense variant.
Genome position (GRCh38, 1-based): chr16:3,672,759, T>C on the plus strand (A>G on the coding strand, the complement: TRAP1 is on the minus strand). VCF-style: chr16-3672759-T-C. GRCh37 (hg19) VCF-style: chr16-3722760-T-C.
Other names: c.947A>G, p.Lys316Arg (NM_001272049.2); short protein forms K316R, K369R.
Identifiers: ClinVar variation 2892442 (VCV002892442.3), dbSNP rs199811358, ClinGen allele CA276996969.